The following is an entry in ClinVar:

ClinVar aggregate classification (germline): Uncertain significance (1 of 4 stars; one submission).

Allele frequency attached by ClinVar (database versions not stated): ExAC 0.00001; gnomAD exomes 0.00003; gnomAD 0.00005.
gnomAD v4.1: 60 of 1,613,986 alleles (0.0037%); highest among the groups gnomAD compares: Admixed American, 0.0083%; no homozygotes.

Submission:

Labcorp Genetics (formerly Invitae), Labcorp
Classification: Uncertain significance. Last evaluated: 2022-06-19. Review status: criteria provided, single submitter. Criteria: Invitae Variant Classification Sherloc (09022015). Collection method: clinical testing. Allele origin: germline.
Comment: This sequence change replaces alanine, which is neutral and non-polar, with valine, which is neutral and non-polar, at codon 248 of the HMOX1 protein (p.Ala248Val). This variant is present in population databases (rs748004359, gnomAD 0.01%). This variant has not been reported in the literature in individuals affected with HMOX1-related conditions. Algorithms developed to predict the effect of missense changes on protein structure and function (SIFT, PolyPhen-2, Align-GVGD) all suggest that this variant is likely to be tolerated. In summary, the available evidence is currently insufficient to determine the role of this variant in disease. Therefore, it has been classified as a Variant of Uncertain Significance.

NM_002133.3(HMOX1):c.743C>T (p.Ala248Val)

Gene: HMOX1 (heme oxygenase 1; plus strand). Cytogenetic location: 22q12.3.
Variant type: single nucleotide variant.
Coding change: c.743C>T on transcript NM_002133.3 (MANE Select); coding-DNA position 743, C replaced by T.
Protein change: p.Ala248Val; replaces alanine 248 with valine.
Molecular consequence: missense variant.
Genome position (GRCh38, 1-based): chr22:35,393,474, C>T. VCF-style: chr22-35393474-C-T. GRCh37 (hg19) VCF-style: chr22-35789467-C-T.
Other names: short protein forms A248V.
Identifiers: ClinVar variation 2167200 (VCV002167200.1), dbSNP rs748004359, ClinGen allele CA10204832.